The following is an entry in ClinVar:

ClinVar aggregate classification (germline): Conflicting classifications of pathogenicity. Review status: criteria provided, conflicting classifications (1 of 4 stars). 7 submissions from 7 submitters: Uncertain significance (2); Likely benign (4). 1 of the submissions does not count toward it. Last evaluated 2026-01-19.

Conditions:
Hereditary spastic paraplegia 10 (SPG10). Also called: SPASTIC PARAPLEGIA 10, AUTOSOMAL DOMINANT; SPASTIC PARAPLEGIA 10 WITH OR WITHOUT PERIPHERAL NEUROPATHY; SPASTIC PARAPLEGIA 10 WITH PERIPHERAL NEUROPATHY. Identifiers: Orphanet 100991, MedGen C1858712, MONDO:0011408, OMIM 604187.
Spastic paraplegia. Identifiers: MedGen C0037772, HP:0001258.
Hereditary spastic paraplegia. Also called: Familial spastic paraparesis. Identifiers: Orphanet 685, MedGen C0037773, MONDO:0019064. Disease mechanism: loss of function.
KIF5A-related disorder. Also called: KIF5A-related disorders; KIF5A-related condition.

Allele frequency attached by ClinVar (database versions not stated): ExAC 0.00001; gnomAD exomes 0.00001 and 0.00005; TOPMed 0.00003; gnomAD 0.00005.
gnomAD v4.1: 91 of 1,613,620 alleles (0.0056%); highest among the groups gnomAD compares: East Asian, 0.056%; 1 homozygote.

Submissions (7):

Labcorp Genetics (formerly Invitae), Labcorp
Classification: Likely benign for Spastic paraplegia. Last evaluated: 2026-01-19. Review status: criteria provided, single submitter. Criteria: Invitae Variant Classification Sherloc (09022015). Collection method: clinical testing. Allele origin: germline.

Mayo Clinic Laboratories, Mayo Clinic
Classification: Likely benign. Last evaluated: 2025-05-29. Review status: criteria provided, single submitter. Criteria: ACMG Guidelines, 2015. Collection method: clinical testing. Allele origin: germline. Observed: 1 variant allele.
Comment: BS2, BP4, BP7

Blueprint Genetics
Classification: Likely benign. Last evaluated: 2024-09-23. Review status: criteria provided, single submitter. Criteria: ACMG Guidelines, 2015. Collection method: clinical testing. Allele origin: germline.

CeGaT Center for Human Genetics Tuebingen
Classification: Likely benign. Last evaluated: 2023-01-01. Review status: criteria provided, single submitter. Criteria: CeGaT Center For Human Genetics Tuebingen Variant Classification Criteria Version 2. Collection method: clinical testing. Allele origin: germline. Affected: yes. Observed: 1 variant allele.
Comment: KIF5A: BP4, BP7

Illumina Laboratory Services, Illumina
Classification: Uncertain significance for Hereditary spastic paraplegia 10. Last evaluated: 2018-01-13. Review status: criteria provided, single submitter. Criteria: ICSL Variant Classification Criteria 13 December 2019. Collection method: clinical testing. Allele origin: germline.

Genome Diagnostics Laboratory, The Hospital for Sick Children
Classification: Uncertain significance for Hereditary spastic paraplegia. Last evaluated: 2017-10-02. Review status: criteria provided, single submitter. Criteria: ACMG Guidelines, 2015. Collection method: clinical testing. Allele origin: germline. Affected: yes.

PreventionGenetics, part of Exact Sciences
Classification: Likely benign for KIF5A-related condition. Last evaluated: 2019-03-01. Review status: no assertion criteria provided. Collection method: clinical testing. Allele origin: germline. Not counted in ClinVar's aggregate classification.
Comment: This variant is classified as likely benign based on ACMG/AMP sequence variant interpretation guidelines (Richards et al. 2015 PMID: 25741868, with internal and published modifications).

NM_004984.4(KIF5A):c.2271C>T (p.His757=)

Gene: KIF5A (kinesin family member 5A; plus strand). Cytogenetic location: 12q13.3.
Variant type: single nucleotide variant.
Coding change: c.2271C>T on transcript NM_004984.4 (MANE Select); coding-DNA position 2271, C replaced by T.
Protein change: p.His757=; no amino-acid change (histidine 757 retained).
Molecular consequence: synonymous variant.
Genome position (GRCh38, 1-based): chr12:57,576,833, C>T. VCF-style: chr12-57576833-C-T. GRCh37 (hg19) VCF-style: chr12-57970616-C-T.
Other names: p.His757=; c.2004C>T, p.His668= (NM_001354705.2).
Identifiers: ClinVar variation 309943 (VCV000309943.43), dbSNP rs374554951, ClinGen allele CA6653062.